The following is an entry in ClinVar:

ClinVar aggregate classification (germline): Uncertain significance. Review status: criteria provided, multiple submitters, no conflicts (2 of 4 stars). 2 submissions from 2 submitters: Uncertain significance (2). Last evaluated 2025-02-04.

Conditions:
Rhabdomyosarcoma, embryonal, 2 (RMSE2). Identifiers: MedGen C1867234, MONDO:0859046, OMIM 180295.
Global developmental delay - lung cysts - overgrowth - Wilms tumor syndrome. Also called: GLOBAL DEVELOPMENTAL DELAY, LUNG CYSTS, OVERGROWTH, AND WILMS TUMOR; GLOW Syndrome. Identifiers: Orphanet 404476, MedGen C4748924, MONDO:0018445, OMIM 618272.
Pleuropulmonary blastoma (PPB). Identifiers: Orphanet 64742, MedGen C1266144, MONDO:0011014, OMIM 601200, HP:0100528.
Euthyroid goiter (MNG1). Also called: Goiter, multinodular 1, with or without Sertoli-Leydig cell tumors; GOITER, NONTOXIC, WITH INTRATHYROIDAL CALCIFICATION; MULTINODULAR GOITER, ADOLESCENT; SIMPLE GOITER. Identifiers: Orphanet 276399, MedGen C0302859, MONDO:0007681, OMIM 138800, HP:0009798.
Hereditary cancer-predisposing syndrome. Also called: Hereditary neoplastic syndrome; Neoplastic Syndromes, Hereditary; Tumor predisposition; Hereditary Cancer Syndrome. Identifiers: Orphanet 140162, MedGen C0027672, MeSH D009386, MONDO:0015356.

Submissions (2):

Ambry Genetics
Classification: Uncertain significance for Hereditary cancer-predisposing syndrome. Last evaluated: 2025-02-04. Review status: criteria provided, single submitter. Criteria: Ambry Variant Classification Scheme 2023. Collection method: clinical testing. Allele origin: germline.
Comment: The p.H1134R variant (also known as c.3401A>G), located in coding exon 20 of the DICER1 gene, results from an A to G substitution at nucleotide position 3401. The histidine at codon 1134 is replaced by arginine, an amino acid with highly similar properties. This amino acid position is conserved. In addition, this alteration is predicted to be tolerated by in silico analysis. Based on the available evidence, the clinical significance of this variant remains unclear.

Fulgent Genetics
Classification: Uncertain significance for Euthyroid goiter; Rhabdomyosarcoma, embryonal, 2; Pleuropulmonary blastoma; Global developmental delay - lung cysts - overgrowth - Wilms tumor syndrome. Last evaluated: 2024-06-19. Review status: criteria provided, single submitter. Criteria: ACMG Guidelines, 2015. Collection method: clinical testing. Allele origin: germline.

NM_177438.3(DICER1):c.3401A>G (p.His1134Arg)

Gene: DICER1 (dicer 1, ribonuclease III; minus strand). Cytogenetic location: 14q32.13.
Variant type: single nucleotide variant.
Coding change: c.3401A>G on transcript NM_177438.3 (MANE Select); coding-DNA position 3401, A replaced by G.
Protein change: p.His1134Arg; replaces histidine 1134 with arginine.
Molecular consequence: missense variant. On other transcripts: non-coding transcript variant (6).
Genome position (GRCh38, 1-based): chr14:95,103,995, T>C on the plus strand (A>G on the coding strand, the complement: DICER1 is on the minus strand). VCF-style: chr14-95103995-T-C. GRCh37 (hg19) VCF-style: chr14-95570332-T-C.
Other names: c.3401A>G, p.His1134Arg (NM_001195573.1, NM_001271282.3, NM_001291628.2 and 12 more transcripts); c.3119A>G, p.His1040Arg (NM_001395686.1); c.2996A>G, p.His999Arg (NM_001395687.1, NM_001395688.1, NM_001395689.1 and 2 more transcripts); c.2834A>G, p.His945Arg (NM_001395691.1); c.1718A>G, p.His573Arg (NM_001395697.1); short protein forms H1040R, H999R, H573R, H945R, H1134R.
Identifiers: ClinVar variation 3576910 (VCV003576910.2).
Genomic context (GRCh38, chr14:95,103,995, plus strand): 5'-CTGCAGTTCACAGACATTTGGTCATGATTTTCTAGAGAGGAGGTTCTATTAGCACCTTGA[T>C]GTGCAGCATTTTCAGGGACAATTGTGCTGTGCTTACAGTAATTATCATTTTCAGCTGAAG-3'
Protein context (NP_803187.1, residues 1124-1144): HSTIVPENAA[His1134Arg]QGANRTSSLE